The following is an entry in ClinVar:

ClinVar aggregate classification (germline): Uncertain significance (1 of 4 stars; one submission).

Conditions:
Imerslund-Grasbeck syndrome type 1 (IGS1). Also called: Megaloblastic anemia 1, Finnish type; MEGALOBLASTIC ANEMIA, 1; Imerslund-Gräsbeck syndrome 1. Identifiers: MedGen C4016819, MONDO:0100156, OMIM 261100.

Allele frequency attached by ClinVar (database versions not stated): gnomAD exomes 0.00003; gnomAD 0.00001; ExAC 0.00002; TOPMed 0.00001.
gnomAD v4.1: 39 of 1,613,762 alleles (0.0024%); highest among the groups gnomAD compares: Non-Finnish European, 0.0032%; no homozygotes.

Submission:

Clinical Genomics Laboratory, Washington University in St. Louis
Classification: Uncertain significance for Imerslund-Grasbeck syndrome type 1. Last evaluated: 2024-04-03. Review status: criteria provided, single submitter. Criteria: ACMG Guidelines, 2015. Collection method: clinical testing. Allele origin: germline.
Comment: A CUBN c.6905C>T (p.Pro2302Leu) variant was identified. To our knowledge, this variant has not been described in the literature. It is observed on 2/251,276 alleles in the general population (gnomAD v.2.1.1) indicating that this is not a common variant. Computational predictors are uncertain as to the impact of this variant on CUBN function. Due to limited information, and based on ACMG/AMP guidelines for variant interpretation (Richards S et al., PMID: 25741868), the clinical significance of this variant is uncertain at this time.

NM_001081.4(CUBN):c.6905C>T (p.Pro2302Leu)

Gene: CUBN (cubilin; minus strand). Cytogenetic location: 10p13.
Variant type: single nucleotide variant.
Coding change: c.6905C>T on transcript NM_001081.4 (MANE Select); coding-DNA position 6905, C replaced by T.
Protein change: p.Pro2302Leu; replaces proline 2302 with leucine.
Molecular consequence: missense variant.
Genome position (GRCh38, 1-based): chr10:16,918,717, G>A on the plus strand (C>T on the coding strand, the complement: CUBN is on the minus strand). VCF-style: chr10-16918717-G-A. GRCh37 (hg19) VCF-style: chr10-16960716-G-A.
Other names: short protein forms P2302L.
Identifiers: ClinVar variation 3237403 (VCV003237403.1), dbSNP rs755590093.